The following is an entry in ClinVar:

ClinVar aggregate classification (germline): Uncertain significance (1 of 4 stars; one submission).

Conditions:
Cardiovascular phenotype. Identifiers: MedGen CN230736.

Submission:

Ambry Genetics
Classification: Uncertain significance for Cardiovascular phenotype. Last evaluated: 2025-05-25. Review status: criteria provided, single submitter. Criteria: Ambry Variant Classification Scheme 2023. Collection method: clinical testing. Allele origin: germline.
Comment: The p.Q1889* variant (also known as c.5665C>T), located in coding exon 14 of the ALPK3 gene, results from a C to T substitution at nucleotide position 5665. This changes the amino acid from a glutamine to a stop codon within coding exon 14. This alteration occurs at the 3' terminus of theALPK3 gene, is not expected to trigger nonsense-mediated mRNAdecay, and impacts the last 5% of the protein. The exact functional effect of this alteration is unknown. Based on the available evidence, the clinical significance of this variant remains unclear.

NM_020778.5(ALPK3):c.5059C>T (p.Gln1687Ter)

Gene: ALPK3 (alpha kinase 3; plus strand). Cytogenetic location: 15q25.3.
Variant type: single nucleotide variant.
Coding change: c.5059C>T on transcript NM_020778.5 (MANE Select); coding-DNA position 5059, C replaced by T.
Protein change: p.Gln1687Ter; replaces glutamine 1687 with a stop codon.
Molecular consequence: nonsense.
Genome position (GRCh38, 1-based): chr15:84,868,397, C>T. VCF-style: chr15-84868397-C-T. GRCh37 (hg19) VCF-style: chr15-85411628-C-T.
Other names: short protein forms Q1687*.
Identifiers: ClinVar variation 4044852 (VCV004044852.1).